The following is an entry in ClinVar:

NM_000257.4(MYH7):c.2732A>G (p.Asn911Ser)

Gene: MYH7 (myosin heavy chain 7; minus strand). Cytogenetic location: 14q11.2.
Variant type: single nucleotide variant.
Coding change: c.2732A>G on transcript NM_000257.4 (MANE Select); coding-DNA position 2732, A replaced by G.
Protein change: p.Asn911Ser; replaces asparagine 911 with serine.
Molecular consequence: missense variant.
Genome position (GRCh38, 1-based): chr14:23,424,097, T>C on the plus strand (A>G on the coding strand, the complement: MYH7 is on the minus strand). VCF-style: chr14-23424097-T-C. GRCh37 (hg19) VCF-style: chr14-23893306-T-C.
Other names: c.2732A>G, p.Asn911Ser (NM_001407004.1); short protein forms N911S.
Identifiers: ClinVar variation 4768567 (VCV004768567.1).

ClinVar aggregate classification (germline): Uncertain significance (1 of 4 stars; one submission).

Conditions:
Hypertrophic cardiomyopathy. Also called: HYPERTROPHIC MYOCARDIOPATHY. Identifiers: Orphanet 217569, MedGen C0007194, MeSH D002312, MONDO:0005045, HP:0001639.

Submission:

Labcorp Genetics (formerly Invitae), Labcorp
Classification: Uncertain significance for Hypertrophic cardiomyopathy. Last evaluated: 2025-06-29. Review status: criteria provided, single submitter. Criteria: Invitae Variant Classification Sherloc (09022015). Collection method: clinical testing. Allele origin: germline.
Comment: This sequence change replaces asparagine, which is neutral and polar, with serine, which is neutral and polar, at codon 911 of the MYH7 protein (p.Asn911Ser). This variant is not present in population databases (gnomAD no frequency). This variant has not been reported in the literature in individuals affected with MYH7-related conditions. Invitae Evidence Modeling of protein sequence and biophysical properties (such as structural, functional, and spatial information, amino acid conservation, physicochemical variation, residue mobility, and thermodynamic stability) indicates that this missense variant is not expected to disrupt MYH7 protein function with a negative predictive value of 95%. In summary, the available evidence is currently insufficient to determine the role of this variant in disease. Therefore, it has been classified as a Variant of Uncertain Significance.